The following is an entry in ClinVar:

NM_001164508.2(NEB):c.9136G>T (p.Gly3046Cys)

Gene: NEB (nebulin; minus strand). Cytogenetic location: 2q23.3.
Variant type: single nucleotide variant.
Coding change: c.9136G>T on transcript NM_001164508.2 (MANE Select); coding-DNA position 9136, G replaced by T.
Protein change: p.Gly3046Cys; replaces glycine 3046 with cysteine.
Molecular consequence: missense variant. On other transcripts: intron variant (1).
Genome position (GRCh38, 1-based): chr2:151,633,932, C>A on the plus strand (G>T on the coding strand, the complement: NEB is on the minus strand). VCF-style: chr2-151633932-C-A. GRCh37 (hg19) VCF-style: chr2-152490446-C-A.
Other names: c.9136G>T, p.Gly3046Cys (NM_001164507.2, NM_001271208.2); c.8854-2754G>T (NM_004543.5); short protein forms G3046C.
Identifiers: ClinVar variation 1305400 (VCV001305400.5), dbSNP rs1335899216, ClinGen allele CA348804356.

ClinVar aggregate classification (germline): Uncertain significance. Review status: criteria provided, multiple submitters, no conflicts (2 of 4 stars). 3 submissions from 3 submitters: Uncertain significance (3). Last evaluated 2024-04-10.

Conditions:
Nemaline myopathy 2 (NEM2). Also called: Nemaline myopathy 2, autosomal recessive. Identifiers: MedGen C1850569, MONDO:0009725, OMIM 256030.

Allele frequency attached by ClinVar (database versions not stated): gnomAD exomes below 0.00001 and 0.00001; TOPMed 0.00002; gnomAD 0.00001.
gnomAD v4.1: 18 of 1,613,584 alleles (0.0011%); highest among the groups gnomAD compares: Middle Eastern, 0.016%; no homozygotes.

Submissions (3):

Revvity Omics, Revvity
Classification: Uncertain significance. Last evaluated: 2024-04-10. Review status: criteria provided, single submitter. Criteria: ACMG Guidelines, 2015. Collection method: clinical testing. Allele origin: germline.

Labcorp Genetics (formerly Invitae), Labcorp
Classification: Uncertain significance for Nemaline myopathy 2. Last evaluated: 2022-06-13. Review status: criteria provided, single submitter. Criteria: Invitae Variant Classification Sherloc (09022015). Collection method: clinical testing. Allele origin: germline.
Comment: This sequence change replaces glycine, which is neutral and non-polar, with cysteine, which is neutral and slightly polar, at codon 3046 of the NEB protein (p.Gly3046Cys). This variant is present in population databases (no rsID available, gnomAD 0.0009%). This variant has not been reported in the literature in individuals affected with NEB-related conditions. ClinVar contains an entry for this variant (Variation ID: 1305400). Algorithms developed to predict the effect of missense changes on protein structure and function are either unavailable or do not agree on the potential impact of this missense change (SIFT: "Deleterious"; PolyPhen-2: "Not Available"; Align-GVGD: "Class C0"). In summary, the available evidence is currently insufficient to determine the role of this variant in disease. Therefore, it has been classified as a Variant of Uncertain Significance.

GeneDx
Classification: Uncertain significance. Last evaluated: 2019-04-30. Review status: criteria provided, single submitter. Criteria: GeneDx Variant Classification Process June 2021. Collection method: clinical testing. Allele origin: germline. Affected: yes.
Comment: Has not been previously published as pathogenic or benign to our knowledge; Not observed at a significant frequency in large population cohorts (Lek et al., 2016); In silico analysis, which includes protein predictors and evolutionary conservation, supports a deleterious effect